The following is an entry in ClinVar:

ClinVar aggregate classification (germline): Uncertain significance (1 of 4 stars; one submission).

Allele frequency attached by ClinVar (database versions not stated): TOPMed 0.00001.
gnomAD v4.1: 2 of 1,614,176 alleles (0.00012%); highest among the groups gnomAD compares: Non-Finnish European, 0.00017%; no homozygotes.

Submission:

Labcorp Genetics (formerly Invitae), Labcorp
Classification: Uncertain significance. Last evaluated: 2023-12-30. Review status: criteria provided, single submitter. Criteria: Invitae Variant Classification Sherloc (09022015). Collection method: clinical testing. Allele origin: germline.
Comment: This sequence change replaces serine, which is neutral and polar, with arginine, which is basic and polar, at codon 503 of the CDK13 protein (p.Ser503Arg). This variant is not present in population databases (gnomAD no frequency). This variant has not been reported in the literature in individuals affected with CDK13-related conditions. Advanced modeling of protein sequence and biophysical properties (such as structural, functional, and spatial information, amino acid conservation, physicochemical variation, residue mobility, and thermodynamic stability) performed at Invitae indicates that this missense variant is not expected to disrupt CDK13 protein function with a negative predictive value of 95%. In summary, the available evidence is currently insufficient to determine the role of this variant in disease. Therefore, it has been classified as a Variant of Uncertain Significance.

NM_003718.5(CDK13):c.1509T>A (p.Ser503Arg)

Gene: CDK13 (cyclin dependent kinase 13; plus strand). Cytogenetic location: 7p14.1.
Variant type: single nucleotide variant.
Coding change: c.1509T>A on transcript NM_003718.5 (MANE Select); coding-DNA position 1509, T replaced by A.
Protein change: p.Ser503Arg; replaces serine 503 with arginine.
Molecular consequence: missense variant.
Genome position (GRCh38, 1-based): chr7:39,987,896, T>A. VCF-style: chr7-39987896-T-A. GRCh37 (hg19) VCF-style: chr7-40027495-T-A.
Other names: c.1509T>A, p.Ser503Arg (NM_031267.4); short protein forms S503R.
Identifiers: ClinVar variation 2795282 (VCV002795282.2), dbSNP rs753012230, ClinGen allele CA157246535.